The following is an entry in ClinVar:

ClinVar aggregate classification (germline): Uncertain significance (1 of 4 stars; one submission).

Submission:

GeneDx
Classification: Uncertain significance. Last evaluated: 2023-12-09. Review status: criteria provided, single submitter. Criteria: GeneDx Variant Classification Process June 2021. Collection method: clinical testing. Allele origin: germline. Affected: yes.
Comment: Not observed at significant frequency in large population cohorts (gnomAD); In silico analysis supports that this missense variant has a deleterious effect on protein structure/function; Has not been previously published as pathogenic or benign to our knowledge

NM_020706.2(SCAF4):c.1772A>T (p.Gln591Leu)

Gene: SCAF4 (SR-related CTD associated factor 4; minus strand). Cytogenetic location: 21q22.11.
Variant type: single nucleotide variant.
Coding change: c.1772A>T on transcript NM_020706.2 (MANE Select); coding-DNA position 1772, A replaced by T.
Protein change: p.Gln591Leu; replaces glutamine 591 with leucine.
Molecular consequence: missense variant.
Genome position (GRCh38, 1-based): chr21:31,690,910, T>A on the plus strand (A>T on the coding strand, the complement: SCAF4 is on the minus strand). VCF-style: chr21-31690910-T-A. GRCh37 (hg19) VCF-style: chr21-33063223-T-A.
Other names: c.1727A>T, p.Gln576Leu (NM_001145444.1); c.1772A>T, p.Gln591Leu (NM_001145445.1); short protein forms Q576L, Q591L.
Identifiers: ClinVar variation 3253020 (VCV003253020.1), dbSNP rs143727305.